The following is an entry in ClinVar:

NM_001292034.3(TAB2):c.277G>A (p.Glu93Lys)

Gene: TAB2 (TGF-beta activated kinase 1 (MAP3K7) binding protein 2; plus strand). Cytogenetic location: 6q25.1.
Variant type: single nucleotide variant.
Coding change: c.277G>A on transcript NM_001292034.3 (MANE Select); coding-DNA position 277, G replaced by A.
Protein change: p.Glu93Lys; replaces glutamic acid 93 with lysine.
Molecular consequence: missense variant.
Genome position (GRCh38, 1-based): chr6:149,378,192, G>A. VCF-style: chr6-149378192-G-A. GRCh37 (hg19) VCF-style: chr6-149699328-G-A.
Other names: c.277G>A (NM_015093.4); c.277G>A, p.Glu93Lys (NM_001369506.1, NM_015093.6); c.181G>A, p.Glu61Lys (NM_001292035.3); short protein forms E61K, E93K.
Identifiers: ClinVar variation 1400161 (VCV001400161.10), dbSNP rs1346429094, ClinGen allele CA365993218.

ClinVar aggregate classification (germline): Uncertain significance. Review status: criteria provided, multiple submitters, no conflicts (2 of 4 stars). 3 submissions from 3 submitters: Uncertain significance (3). Last evaluated 2024-10-07.

Conditions:
Inborn genetic diseases. Identifiers: MedGen C0950123, MeSH D030342.

Allele frequency attached by ClinVar (database versions not stated): gnomAD exomes below 0.00001 and 0.00001; gnomAD 0.00001; TOPMed 0.00002.
gnomAD v4.1: 7 of 1,614,070 alleles (0.00043%); highest among the groups gnomAD compares: Admixed American, 0.005%; 1 homozygote.

Submissions (3):

GeneDx
Classification: Uncertain significance. Last evaluated: 2024-10-07. Review status: criteria provided, single submitter. Criteria: GeneDx Variant Classification Process June 2021. Collection method: clinical testing. Allele origin: germline. Affected: yes.
Comment: Not observed at significant frequency in large population cohorts (gnomAD); In silico analysis indicates that this missense variant does not alter protein structure/function; Has not been previously published as pathogenic or benign to our knowledge

Ambry Genetics
Classification: Uncertain significance for Inborn genetic diseases. Last evaluated: 2024-07-02. Review status: criteria provided, single submitter. Criteria: Ambry Variant Classification Scheme 2023. Collection method: clinical testing. Allele origin: germline.

Labcorp Genetics (formerly Invitae), Labcorp
Classification: Uncertain significance. Last evaluated: 2024-03-04. Review status: criteria provided, single submitter. Criteria: Invitae Variant Classification Sherloc (09022015). Collection method: clinical testing. Allele origin: germline.
Comment: This sequence change replaces glutamic acid, which is acidic and polar, with lysine, which is basic and polar, at codon 93 of the TAB2 protein (p.Glu93Lys). This variant is present in population databases (no rsID available, gnomAD 0.006%). This variant has not been reported in the literature in individuals affected with TAB2-related conditions. ClinVar contains an entry for this variant (Variation ID: 1400161). Advanced modeling of protein sequence and biophysical properties (such as structural, functional, and spatial information, amino acid conservation, physicochemical variation, residue mobility, and thermodynamic stability) performed at Invitae indicates that this missense variant is not expected to disrupt TAB2 protein function with a negative predictive value of 80%. In summary, the available evidence is currently insufficient to determine the role of this variant in disease. Therefore, it has been classified as a Variant of Uncertain Significance.